The following is an entry in ClinVar:

ClinVar aggregate classification (germline): Conflicting classifications of pathogenicity. Review status: criteria provided, conflicting classifications (1 of 4 stars). 2 submissions from 2 submitters: Uncertain significance (1); Likely benign (1). Last evaluated 2023-12-26.

Conditions:
Myofibrillar myopathy 3 (MFM3). Also called: Muscular dystrophy, proximal, type 1A; Autosomal dominant spheroid body myopathy. Identifiers: Orphanet 266, Orphanet 268129, MedGen C3714934, MONDO:0012215, OMIM 609200.

Allele frequency attached by ClinVar (database versions not stated): gnomAD 0.00001.

Submissions (2):

Labcorp Genetics (formerly Invitae), Labcorp
Classification: Likely benign for Myofibrillar myopathy 3. Last evaluated: 2023-12-26. Review status: criteria provided, single submitter. Criteria: Invitae Variant Classification Sherloc (09022015). Collection method: clinical testing. Allele origin: germline.

ARUP Laboratories, Molecular Genetics and Genomics, ARUP Laboratories
Classification: Uncertain significance. Last evaluated: 2020-06-30. Review status: criteria provided, single submitter. Criteria: ARUP Molecular Germline Variant Investigation Process. Collection method: clinical testing. Allele origin: germline.
Comment: The MYOT c.1242C>T; p.Asn414Asn variant to our knowledge, is not reported in the medical literature or gene specific databases. This variant is also absent from general population databases (Exome Variant Server, Genome Aggregation Database), indicating it is not a common polymorphism. This is a synonymous variant in a weakly conserved nucleotide, but computational analyses (Alamut v.2.11) predict that this variant may impact splicing by creating a novel cryptic donor splice site/weakening the nearby canonical site. Due to limited information, the clinical significance of the p.Asn414Asn variant is uncertain at this time.

NM_006790.3(MYOT):c.1242C>T (p.Asn414=)

Genes: MYOT (myotilin; plus strand), PKD2L2-DT (PKD2L2 divergent transcript; minus strand). Cytogenetic location: 5q31.2.
Variant type: single nucleotide variant.
Coding change: c.1242C>T on transcript NM_006790.3 (MANE Select); coding-DNA position 1242, C replaced by T.
Protein change: p.Asn414=; no amino-acid change (asparagine 414 retained).
Molecular consequence: synonymous variant.
Genome position (GRCh38, 1-based): chr5:137,886,915, C>T. VCF-style: chr5-137886915-C-T. GRCh37 (hg19) VCF-style: chr5-137222604-C-T.
Other names: c.690C>T, p.Asn230= (NM_001135940.2); c.897C>T, p.Asn299= (NM_001300911.2).
Identifiers: ClinVar variation 995619 (VCV000995619.11), dbSNP rs1173495538, ClinGen allele CA446562061.